The following is an entry in ClinVar:

ClinVar aggregate classification (germline): Likely benign. Review status: criteria provided, single submitter (1 of 4 stars). 2 submissions from 2 submitters: Likely benign (1). 1 of the submissions does not count toward it. Last evaluated 2025-04-08.

Conditions:
SBF1-related disorder. Also called: SBF1-related condition.

Allele frequency attached by ClinVar (database versions not stated): gnomAD exomes 0.00004 and 0.00008; gnomAD 0.00006 and 0.00007; TOPMed 0.00006; ExAC 0.00008.
gnomAD v4.1: 74 of 1,613,864 alleles (0.0046%); highest among the groups gnomAD compares: South Asian, 0.023%; no homozygotes.

Submissions (2):

Labcorp Genetics (formerly Invitae), Labcorp
Classification: Likely benign. Last evaluated: 2025-04-08. Review status: criteria provided, single submitter. Criteria: Invitae Variant Classification Sherloc (09022015). Collection method: clinical testing. Allele origin: germline.

PreventionGenetics, part of Exact Sciences
Classification: Likely benign for SBF1-related condition. Last evaluated: 2019-03-06. Review status: no assertion criteria provided. Collection method: clinical testing. Allele origin: germline. Not counted in ClinVar's aggregate classification.
Comment: This variant is classified as likely benign based on ACMG/AMP sequence variant interpretation guidelines (Richards et al. 2015 PMID: 25741868, with internal and published modifications).

NM_002972.4(SBF1):c.2436C>T (p.Ser812=)

Gene: SBF1 (SET binding factor 1; minus strand). Cytogenetic location: 22q13.33.
Variant type: single nucleotide variant.
Coding change: c.2436C>T on transcript NM_002972.4 (MANE Select); coding-DNA position 2436, C replaced by T.
Protein change: p.Ser812=; no amino-acid change (serine 812 retained).
Molecular consequence: synonymous variant.
Genome position (GRCh38, 1-based): chr22:50,462,080, G>A on the plus strand (C>T on the coding strand, the complement: SBF1 is on the minus strand). VCF-style: chr22-50462080-G-A. GRCh37 (hg19) VCF-style: chr22-50900509-G-A.
Other names: c.2439C>T, p.Ser813= (NM_001365819.1); c.2436C>T (NM_002972.3).
Identifiers: ClinVar variation 1656830 (VCV001656830.10), dbSNP rs768340684, ClinGen allele CA10317205.